The following is an entry in ClinVar:

ClinVar aggregate classification (germline): Uncertain significance (1 of 4 stars; one submission).

Conditions:
Hereditary breast ovarian cancer syndrome. Also called: Hereditary breast and ovarian cancer syndrome (HBOC); Hereditary breast and ovarian cancer; Breast and ovarian cancer; Hereditary breast and/or ovarian cancer syndrome; BRCA1- and BRCA2-Associated Hereditary Breast and Ovarian Cancer; Hereditary breast and ovarian cancer syndrome. Identifiers: Orphanet 145, MedGen C0677776, MeSH D061325, MONDO:0003582. Disease mechanism: loss of function.

Submission:

Labcorp Genetics (formerly Invitae), Labcorp
Classification: Uncertain significance for Hereditary breast ovarian cancer syndrome. Last evaluated: 2025-12-25. Review status: criteria provided, single submitter. Criteria: Invitae Variant Classification Sherloc (09022015). Collection method: clinical testing. Allele origin: germline.
Comment: This sequence change replaces glycine, which is neutral and non-polar, with alanine, which is neutral and non-polar, at codon 2760 of the BRCA2 protein (p.Gly2760Ala). This variant is not present in population databases (gnomAD no frequency). This variant has not been reported in the literature in individuals affected with BRCA2-related conditions. Invitae Evidence Modeling of protein sequence and biophysical properties (such as structural, functional, and spatial information, amino acid conservation, physicochemical variation, residue mobility, and thermodynamic stability) indicates that this missense variant is not expected to disrupt BRCA2 protein function with a negative predictive value of 95%. In summary, the available evidence is currently insufficient to determine the role of this variant in disease. Therefore, it has been classified as a Variant of Uncertain Significance.

NM_000059.4(BRCA2):c.8279G>C (p.Gly2760Ala)

Gene: BRCA2 (BRCA2 DNA repair associated; plus strand). Cytogenetic location: 13q13.1.
Variant type: single nucleotide variant.
Coding change: c.8279G>C on transcript NM_000059.4 (MANE Select); coding-DNA position 8279, G replaced by C.
Protein change: p.Gly2760Ala; replaces glycine 2760 with alanine.
Molecular consequence: missense variant. On other transcripts: non-coding transcript variant (1).
Genome position (GRCh38, 1-based): chr13:32,363,481, G>C. VCF-style: chr13-32363481-G-C. GRCh37 (hg19) VCF-style: chr13-32937618-G-C.
Other names: c.8183G>C, p.Gly2728Ala (NM_001406719.1); c.8279G>C, p.Gly2760Ala (NM_001406720.1, NM_001432077.1); c.3347G>C, p.Gly1116Ala (NM_001406721.1); c.1862G>C, p.Gly621Ala (NM_001406722.1); short protein forms G1116A, G2728A, G2760A, G621A.
Identifiers: ClinVar variation 4802352 (VCV004802352.1).